The following is an entry in ClinVar:

NM_007294.4(BRCA1):c.3166del (p.Ser1056fs)

Gene: BRCA1 (BRCA1 DNA repair associated; minus strand). Cytogenetic location: 17q21.31.
Variant type: Deletion.
Coding change: c.3166del on transcript NM_007294.4 (MANE Select); coding-DNA position 3166, one base deleted (T; older notation c.3166delT).
Protein change: p.Ser1056fs; shifts the reading frame from serine 1056.
Molecular consequence: frameshift variant. On other transcripts: intron variant (137).
Genome position (GRCh38, 1-based): chr17:43,092,365, A deleted on the plus strand (T on the coding strand, the reverse complement: BRCA1 is on the minus strand). VCF-style (leftmost placement, unchanged base first): chr17-43092364-GA-G. GRCh37 (hg19) VCF-style: chr17-41244381-GA-G.
Other names: c.3163del, p.Ser1055fs (NM_001407611.1, NM_001407612.1, NM_001407613.1 and 22 more transcripts); c.3166del, p.Ser1056fs (NM_001407616.1, NM_001407617.1, NM_001407618.1 and 30 more transcripts); c.665-1333del (NM_001408442.1, NM_001408426.1, NM_001408436.1 and 12 more transcripts); c.788-1333del (NM_001407982.1, NM_001407970.1, NM_001407980.1 and 17 more transcripts); c.2953del, p.Ser985fs (NM_001407571.1, NM_001407853.1, NM_001407894.1 and 9 more transcripts); c.3157del, p.Ser1053fs (NM_001407646.1, NM_001407647.1); c.3043del, p.Ser1015fs (NM_001407648.1, NM_001407664.1, NM_001407665.1 and 19 more transcripts); c.3040del, p.Ser1014fs (NM_001407649.1, NM_001407670.1, NM_001407671.1 and 11 more transcripts); and 41 more; short protein forms S1056fs, S1009fs, S1053fs, S760fs, S944fs, S967fs, S986fs, S988fs.
Identifiers: ClinVar variation 1728373 (VCV001728373.2), dbSNP rs2552164686, ClinGen allele CA2580093893.

ClinVar aggregate classification (germline): Pathogenic (1 of 4 stars; one submission).

Conditions:
Hereditary cancer-predisposing syndrome. Also called: Tumor predisposition; Neoplastic Syndromes, Hereditary; Hereditary Cancer Syndrome; Hereditary neoplastic syndrome. Identifiers: Orphanet 140162, MedGen C0027672, MeSH D009386, MONDO:0015356.

Submission:

Ambry Genetics
Classification: Pathogenic for Hereditary cancer-predisposing syndrome. Last evaluated: 2021-02-24. Review status: criteria provided, single submitter. Criteria: Ambry Variant Classification Scheme 2023. Collection method: clinical testing. Allele origin: germline.
Comment: The c.3166delT pathogenic mutation, located in coding exon 9 of the BRCA1 gene, results from a deletion of one nucleotide at nucleotide position 3166, causing a translational frameshift with a predicted alternate stop codon (p.S1056Pfs*6). This alteration is expected to result in loss of function by premature protein truncation or nonsense-mediated mRNA decay. As such, this alteration is interpreted as a disease-causing mutation.